The following is an entry in ClinVar:

ClinVar aggregate classification (germline): Uncertain significance. Review status: criteria provided, multiple submitters, no conflicts (2 of 4 stars). 3 submissions from 3 submitters: Uncertain significance (3). Last evaluated 2023-07-06.

Conditions:
Hereditary cancer-predisposing syndrome. Also called: Hereditary Cancer Syndrome; Hereditary neoplastic syndrome; Neoplastic Syndromes, Hereditary; Tumor predisposition. Identifiers: Orphanet 140162, MedGen C0027672, MeSH D009386, MONDO:0015356.
Familial adenomatous polyposis 2. Also called: MUTYH-associated polyposis; MUTYH-related attenuated familial adenomatous polyposis; FAP type 2; Adenomas, multiple colorectal; MYH-associated polyposis; MUTYH Polyposis. Identifiers: Orphanet 220460, Orphanet 247798, MedGen C3272841, MONDO:0012041, OMIM 608456.

Allele frequency attached by ClinVar (database versions not stated): ExAC 0.00001.

Submissions (3):

Baylor Genetics
Classification: Uncertain significance for Familial adenomatous polyposis 2. Last evaluated: 2023-07-06. Review status: criteria provided, single submitter. Criteria: ACMG Guidelines, 2015. Collection method: clinical testing. Allele origin: unknown.

Labcorp Genetics (formerly Invitae), Labcorp
Classification: Uncertain significance for Familial adenomatous polyposis 2. Last evaluated: 2023-03-24. Review status: criteria provided, single submitter. Criteria: Invitae Variant Classification Sherloc (09022015). Collection method: clinical testing. Allele origin: germline.
Comment: ClinVar contains an entry for this variant (Variation ID: 1770634). In summary, the available evidence is currently insufficient to determine the role of this variant in disease. Therefore, it has been classified as a Variant of Uncertain Significance. RNA analysis performed to evaluate the impact of this missense change on mRNA splicing indicates it does not significantly alter splicing (Invitae). Algorithms developed to predict the effect of missense changes on protein structure and function output the following: SIFT: "Not Available"; PolyPhen-2: "Benign"; Align-GVGD: "Not Available". The glutamine amino acid residue is found in multiple mammalian species, which suggests that this missense change does not adversely affect protein function. This variant has not been reported in the literature in individuals affected with MUTYH-related conditions. This variant is present in population databases (rs759942127, gnomAD 0.0009%). This sequence change replaces leucine, which is neutral and non-polar, with glutamine, which is neutral and polar, at codon 451 of the MUTYH protein (p.Leu451Gln).

Ambry Genetics
Classification: Uncertain significance for Hereditary cancer-predisposing syndrome. Last evaluated: 2022-08-30. Review status: criteria provided, single submitter. Criteria: Ambry Variant Classification Scheme 2023. Collection method: clinical testing. Allele origin: germline.
Comment: The p.L451Q variant (also known as c.1352T>A), located in coding exon 14 of the MUTYH gene, results from a T to A substitution at nucleotide position 1352. The leucine at codon 451 is replaced by glutamine, an amino acid with dissimilar properties. This amino acid position is conserved. In addition, this alteration is predicted to be deleterious by in silico analysis. Since supporting evidence is limited at this time, the clinical significance of this alteration remains unclear.

NM_001048174.2(MUTYH):c.1268T>A (p.Leu423Gln)

Gene: MUTYH (mutY DNA glycosylase; minus strand). Cytogenetic location: 1p34.1.
Variant type: single nucleotide variant.
Coding change: c.1268T>A on transcript NM_001048174.2 (MANE Select); coding-DNA position 1268, T replaced by A.
Protein change: p.Leu423Gln; replaces leucine 423 with glutamine.
Molecular consequence: missense variant. On other transcripts: non-coding transcript variant (2).
Genome position (GRCh38, 1-based): chr1:45,331,306, A>T on the plus strand (T>A on the coding strand, the complement: MUTYH is on the minus strand). VCF-style: chr1-45331306-A-T. GRCh37 (hg19) VCF-style: chr1-45796978-A-T.
Other names: c.1271T>A, p.Leu424Gln (NM_001407086.1, NM_001048172.2, NM_001407071.1 and 1 more transcripts); c.1289T>A, p.Leu430Gln (NM_001407087.1); c.1268T>A, p.Leu423Gln (NM_001407088.1, NM_001407089.1, NM_001048171.2 and 6 more transcripts); c.992T>A, p.Leu331Gln (NM_001407091.1, NM_001293192.2, NM_001293196.2); c.1343T>A, p.Leu448Gln (NM_012222.3); c.1352T>A, p.Leu451Gln (NM_001128425.2); c.1313T>A, p.Leu438Gln (NM_001293190.2); c.1301T>A, p.Leu434Gln (NM_001293191.2, NM_001407069.1, NM_001407077.1); and 5 more; short protein forms L423Q, L331Q, L409Q, L424Q, L434Q, L438Q, L308Q, L410Q.
Identifiers: ClinVar variation 1770634 (VCV001770634.6), dbSNP rs759942127, ClinGen allele CA056209.
Genomic context (GRCh38, chr1:45,331,306, plus strand): 5'-GGTGGTACGGTGGTCACTGGGGTCTGCCCTTCCAAGGCCAGCCCATATACTTGATATGTC[A>T]GCTTGATGTGAGAGAAGGTGTGGACAACCTGGAGGAAGGGTCAAGGGGTTCAAATAGGCC-3'
Protein context (NP_001041639.1, residues 413-433): EVVHTFSHIK[Leu423Gln]TYQVYGLALE